The following is an entry in ClinVar:

ClinVar aggregate classification (germline): Conflicting classifications of pathogenicity. Review status: criteria provided, conflicting classifications (1 of 4 stars). 4 submissions from 4 submitters: Uncertain significance (3); Likely benign (1). Last evaluated 2025-12-18.

Conditions:
Charcot-Marie-Tooth disease type 2. Also called: Charcot-Marie-Tooth type 2. Identifiers: Orphanet 64746, MedGen C0270914, MONDO:0018993.
Cardiomyopathy (CMYO). Also called: Cardiomyopathies. Identifiers: Orphanet 167848, MedGen C0878544, MONDO:0004994, HP:0001638. Inheritance: Various modes of inheritance.
Primary dilated cardiomyopathy (DCM). Also called: Dilated Cardiomyopathy. Identifiers: Orphanet 217604, MedGen C0007193, MeSH D002311, MONDO:0005021, HP:0001644. Inheritance: Various modes of inheritance.
Cardiovascular phenotype. Identifiers: MedGen CN230736.

Allele frequency attached by ClinVar (database versions not stated): TOPMed 0.00001.
gnomAD v4.1: 13 of 1,613,516 alleles (0.00081%); highest among the groups gnomAD compares: Non-Finnish European, 0.0011%; no homozygotes.

Submissions (4):

Color Diagnostics, LLC DBA Color Health
Classification: Uncertain significance for Cardiomyopathy. Last evaluated: 2025-12-18. Review status: criteria provided, single submitter. Criteria: ACMG Guidelines, 2015. Collection method: clinical testing. Allele origin: germline.
Comment: This missense variant replaces phenylalanine with leucine at codon 637 of the LMNA protein. Computational predictions are inconclusive regarding the impact of this variant on protein structure and function. To our knowledge, functional studies have not been reported for this variant. This variant has not been reported in individuals affected with LMNA-related disorders in the literature. This variant has been identified in 13/1613516 chromosomes in the general population by the Genome Aggregation Database (gnomAD). The available evidence is insufficient to determine the role of this variant in disease conclusively. Therefore, this variant is classified as a Variant of Uncertain Significance.

Labcorp Genetics (formerly Invitae), Labcorp
Classification: Likely benign for Charcot-Marie-Tooth disease type 2. Last evaluated: 2025-07-23. Review status: criteria provided, single submitter. Criteria: Invitae Variant Classification Sherloc (09022015). Collection method: clinical testing. Allele origin: germline.

Ambry Genetics
Classification: Uncertain significance for Cardiovascular phenotype. Last evaluated: 2024-04-04. Review status: criteria provided, single submitter. Criteria: Ambry Variant Classification Scheme 2023. Collection method: clinical testing. Allele origin: germline.
Comment: The p.F637L variant (also known as c.1911C>A), located in coding exon 11 of the LMNA gene, results from a C to A substitution at nucleotide position 1911. The phenylalanine at codon 637 is replaced by leucine, an amino acid with highly similar properties. This amino acid position is not well conserved in available vertebrate species. In addition, this alteration is predicted to be tolerated by in silico analysis. Based on the available evidence, the clinical significance of this alteration remains unclear.

All of Us Research Program, National Institutes of Health
Classification: Uncertain significance for Primary dilated cardiomyopathy. Last evaluated: 2023-05-04. Review status: criteria provided, single submitter. Criteria: ACMG Guidelines, 2015. Collection method: clinical testing. Allele origin: germline. Inheritance: Autosomal dominant inheritance. Observed: 3 variant alleles, 3 heterozygotes.
Comment: Variant of Uncertain Significance due to insufficient evidence: This missense variant is located in the actin-binding domain of the lamin A protein. Computational prediction tools and conservation analyses are inconclusive regarding the impact of this variant on the protein function. Computational splicing tools suggest that this variant may not impact RNA splicing. To our knowledge, functional assays have not been performed for this variant nor has this variant been reported in individuals affected with cardiovascular disorders in the literature. This variant has been identified in 4/244020 chromosomes in the general population by the Genome Aggregation Database (gnomAD). Available evidence is insufficient to determine the pathogenicity of this variant conclusively.

This study involves interpretation of variants in research participants for the purpose of population health screening. Participant phenotype was not available at the time of variant classification. Additional details can be found in publication PMID: 35346344, PMCID: PMC8962531

NM_170707.4(LMNA):c.1911C>A (p.Phe637Leu)

Gene: LMNA (lamin A/C; plus strand). Cytogenetic location: 1q22.
Variant type: single nucleotide variant.
Coding change: c.1911C>A on transcript NM_170707.4 (MANE Select); coding-DNA position 1911, C replaced by A.
Protein change: p.Phe637Leu; replaces phenylalanine 637 with leucine.
Molecular consequence: missense variant. On other transcripts: intron variant (1).
Genome position (GRCh38, 1-based): chr1:156,138,700, C>A. VCF-style: chr1-156138700-C-A. GRCh37 (hg19) VCF-style: chr1-156108491-C-A.
Other names: c.1575C>A, p.Phe525Leu (NM_001257374.3); c.1821C>A, p.Phe607Leu (NM_170708.4); c.1818+93C>A (NM_001282626.2); short protein forms F607L, F637L, F525L.
Identifiers: ClinVar variation 579356 (VCV000579356.24), dbSNP rs117939448, ClinGen allele CA026527.
Genomic context (GRCh38, chr1:156,138,700, plus strand): 5'-CTCCAGTGTCACGGTCACTCGCAGCTACCGCAGTGTGGGGGGCAGTGGGGGTGGCAGCTT[C>A]GGGGACAATCTGGTCACCCGCTCCTACCTCCTGGGCAACTCCAGCCCCCGAACCCAGGTG-3'
Protein context (NP_733821.1, residues 627-647): RSVGGSGGGS[Phe637Leu]GDNLVTRSYL